The following is an entry in ClinVar:

NM_006363.6(SEC23B):c.2129C>T (p.Thr710Met)

Gene: SEC23B (SEC23 homolog B, COPII component; plus strand). Cytogenetic location: 20p11.23.
Variant type: single nucleotide variant.
Coding change: c.2129C>T on transcript NM_006363.6 (MANE Select); coding-DNA position 2129, C replaced by T.
Protein change: p.Thr710Met; replaces threonine 710 with methionine.
Molecular consequence: missense variant.
Genome position (GRCh38, 1-based): chr20:18,554,371, C>T. VCF-style: chr20-18554371-C-T. GRCh37 (hg19) VCF-style: chr20-18535015-C-T.
Other names: c.2129C>T, p.Thr710Met (NM_001172745.3, NM_032985.6, NM_032986.5); c.2075C>T, p.Thr692Met (NM_001172746.3); short protein forms T710M, T692M.
Identifiers: ClinVar variation 645105 (VCV000645105.11), dbSNP rs752664090, ClinGen allele CA9778598.

ClinVar aggregate classification (germline): Conflicting classifications of pathogenicity. Review status: criteria provided, conflicting classifications (1 of 4 stars). 4 submissions from 4 submitters: Pathogenic (1); Likely pathogenic (2); Uncertain significance (1). Last evaluated 2025-06-06.

Conditions:
Congenital dyserythropoietic anemia, type II (CDAN2). Also called: DYSERYTHROPOIETIC ANEMIA, HEMPAS TYPE. Identifiers: Orphanet 98873, MedGen C1306589, MONDO:0009134, OMIM 224100.
Cowden syndrome 7 (CWS7). Identifiers: Orphanet 201, MedGen C4225179, MONDO:0014802, OMIM 616858.
SEC23B-related disorder. Also called: SEC23B-related condition; SEC23B-related disorders.

Allele frequency attached by ClinVar (database versions not stated): gnomAD exomes 0.00001 and 0.00002; ExAC 0.00002.
gnomAD v4.1: 13 of 1,614,196 alleles (0.00081%); highest among the groups gnomAD compares: Non-Finnish European, 0.0011%; no homozygotes.

Submissions (4):

Women's Health and Genetics/Laboratory Corporation of America, LabCorp
Classification: Likely pathogenic for Congenital dyserythropoietic anemia, type II. Last evaluated: 2025-06-06. Review status: criteria provided, single submitter. Criteria: LabCorp Variant Classification Summary - May 2015. Collection method: clinical testing. Allele origin: germline.
Comment: Variant summary: SEC23B c.2129C>T (p.Thr710Met) results in a non-conservative amino acid change located in the Gelsolin-like domain (IPR007123) of the encoded protein sequence. Algorithms developed to predict the effect of missense changes on protein structure and function are either unavailable or do not agree on the potential impact of this missense change. The variant allele was found at a frequency of 2e-05 in 251458 control chromosomes. c.2129C>T has been reported in the literature in the compound heterozygous state in individuals affected with Congenital dyserythropoietic anemia, type II (Wang_2018, Amir_2011, Alam_2022, LCG internal data). These data indicate that the variant is likely to be associated with disease. To our knowledge, no experimental evidence demonstrating an impact on protein function has been reported. The following publications have been ascertained in the context of this evaluation (PMID: 35820731, 21252497, 22208203, 29031773). ClinVar contains an entry for this variant (Variation ID: 645105). Based on the evidence outlined above, the variant was classified as likely pathogenic.

Labcorp Genetics (formerly Invitae), Labcorp
Classification: Pathogenic for Congenital dyserythropoietic anemia, type II; Cowden syndrome 7. Last evaluated: 2025-04-14. Review status: criteria provided, single submitter. Criteria: Invitae Variant Classification Sherloc (09022015). Collection method: clinical testing. Allele origin: germline.
Comment: This sequence change replaces threonine, which is neutral and polar, with methionine, which is neutral and non-polar, at codon 710 of the SEC23B protein (p.Thr710Met). This variant is present in population databases (rs752664090, gnomAD 0.004%). This missense change has been observed in individuals with congenital dyserythropoietic anemia (PMID: 21252497, 29031773). ClinVar contains an entry for this variant (Variation ID: 645105). Invitae Evidence Modeling of protein sequence and biophysical properties (such as structural, functional, and spatial information, amino acid conservation, physicochemical variation, residue mobility, and thermodynamic stability) indicates that this missense variant is expected to disrupt SEC23B protein function with a positive predictive value of 95%. For these reasons, this variant has been classified as Pathogenic.

Blueprint Genetics
Classification: Likely pathogenic for SEC23B-related disorders. Last evaluated: 2024-08-23. Review status: criteria provided, single submitter. Criteria: ACMG Guidelines, 2015. Collection method: clinical testing. Allele origin: germline. Affected: yes. Observed: 2 variant alleles.

Neuberg Centre For Genomic Medicine, NCGM
Classification: Uncertain significance for Congenital dyserythropoietic anemia, type II. Last evaluated: 2023-06-22. Review status: criteria provided, single submitter. Criteria: ACMG Guidelines, 2015. Collection method: clinical testing. Allele origin: germline. Inheritance: Autosomal recessive inheritance. Affected: yes.
Comment: The observed missense c.2129C>T(p.Thr710Met) variant in SEC23B gene has not been reported previously as a pathogenic variant nor as a benign variant, to our knowledge. This variant is reported with the allele frequency of 0.002% in the gnomAD Exomes. This variant has been reported to the ClinVar database as Uncertain Significance. However, no details are available for independent assessment. The amino acid Thr at position 710 is changed to a Met changing protein sequence and it might alter its composition and physico-chemical properties. The amino acid change p.Thr710Met in SEC23B is predicted as conserved by GERP++ and PhyloP across 100 vertebrates. Multiple lines of computational evidence (Polyphen - Possibly Damaging, SIFT - Damaging, and MutationTaster - Disease causing) predict a damaging effect on protein structure and function for this variant. For these reasons, this variant has been classified as Uncertain Significance.

Literature cited by the submitters: PubMed 22208203 (cited by Women's Health and Genetics/Laboratory Corporation of America, LabCorp); PubMed 29031773 (cited by Women's Health and Genetics/Laboratory Corporation of America, LabCorp and Labcorp Genetics (formerly Invitae), Labcorp); PubMed 35820731 (cited by Women's Health and Genetics/Laboratory Corporation of America, LabCorp); PubMed 21252497 (cited by Women's Health and Genetics/Laboratory Corporation of America, LabCorp and Labcorp Genetics (formerly Invitae), Labcorp).